The following is an entry in ClinVar:

NM_001211.6(BUB1B):c.3098A>G (p.Lys1033Arg)

Genes: BUB1B (BUB1 mitotic checkpoint serine/threonine kinase B; plus strand), BUB1B-PAK6 (BUB1B-PAK6 readthrough; plus strand). Cytogenetic location: 15q15.1.
Variant type: single nucleotide variant.
Coding change: c.3098A>G on transcript NM_001211.6 (MANE Select); coding-DNA position 3098, A replaced by G.
Protein change: p.Lys1033Arg; replaces lysine 1033 with arginine.
Molecular consequence: missense variant. On other transcripts: intron variant (2).
Genome position (GRCh38, 1-based): chr15:40,220,704, A>G. VCF-style: chr15-40220704-A-G. GRCh37 (hg19) VCF-style: chr15-40512905-A-G.
Other names: c.-201+3037A>G (NM_001128628.3); c.-118+3037A>G (NM_001128629.3); short protein forms K1033R.
Identifiers: ClinVar variation 3262261 (VCV003262261.1).

ClinVar aggregate classification (germline): Uncertain significance (1 of 4 stars; one submission).

Conditions:
Inborn genetic diseases. Identifiers: MedGen C0950123, MeSH D030342.

Submission:

Ambry Genetics
Classification: Uncertain significance for Inborn genetic diseases. Last evaluated: 2024-05-15. Review status: criteria provided, single submitter. Criteria: Ambry Variant Classification Scheme 2023. Collection method: clinical testing. Allele origin: germline.
Comment: The p.K1033R variant (also known as c.3098A>G), located in coding exon 23 of the BUB1B gene, results from an A to G substitution at nucleotide position 3098. The lysine at codon 1033 is replaced by arginine, an amino acid with highly similar properties. This amino acid position is conserved. In addition, this alteration is predicted to be tolerated by in silico analysis. Based on the available evidence, the clinical significance of this variant remains unclear.